The following is an entry in ClinVar:

ClinVar aggregate classification (germline): Likely benign (1 of 4 stars; one submission).

Allele frequency attached by ClinVar (database versions not stated): TOPMed 0.00003; gnomAD 0.00005; ExAC 0.00009; gnomAD exomes 0.00009.

Submission:

CeGaT Center for Human Genetics Tuebingen
Classification: Likely benign. Last evaluated: 2023-03-01. Review status: criteria provided, single submitter. Criteria: CeGaT Center For Human Genetics Tuebingen Variant Classification Criteria Version 2. Collection method: clinical testing. Allele origin: germline. Affected: yes. Observed: 1 variant allele.
Comment: DOCK11: BP4, BP7, BS2

NM_144658.4(DOCK11):c.4539T>C (p.Phe1513=)

Gene: DOCK11 (dedicator of cytokinesis 11; plus strand). Cytogenetic location: Xq24.
Variant type: single nucleotide variant.
Coding change: c.4539T>C on transcript NM_144658.4 (MANE Select); coding-DNA position 4539, T replaced by C.
Protein change: p.Phe1513=; no amino-acid change (phenylalanine 1513 retained).
Molecular consequence: synonymous variant.
Genome position (GRCh38, 1-based): chrX:118,649,085, T>C. VCF-style: chrX-118649085-T-C. GRCh37 (hg19) VCF-style: chrX-117783048-T-C.
Identifiers: ClinVar variation 2661270 (VCV002661270.24), dbSNP rs764133219, ClinGen allele CA10499571.
Genomic context (GRCh38, chrX:118,649,085, plus strand): 5'-GATTAGCTCAACCAGGAATGAAGCATCTGCACTTTTGTATCTTTTGATGAGAAACAACTT[T>C]GAGTATACCAAAAGGAAAACCTTTTTGAGGACACATCTACAGGTCAGTGAAAATAAAAGC-3'
Protein context (NP_653259.3, residues 1503-1523): ALLYLLMRNN[Phe1513=]EYTKRKTFLR